The following is an entry in ClinVar:

ClinVar aggregate classification (germline): Uncertain significance (1 of 4 stars; one submission).

Allele frequency attached by ClinVar (database versions not stated): TOPMed below 0.00001; gnomAD 0.00001.

Submission:

Labcorp Genetics (formerly Invitae), Labcorp
Classification: Uncertain significance. Last evaluated: 2023-05-13. Review status: criteria provided, single submitter. Criteria: Invitae Variant Classification Sherloc (09022015). Collection method: clinical testing. Allele origin: germline.
Comment: In summary, the available evidence is currently insufficient to determine the role of this variant in disease. Therefore, it has been classified as a Variant of Uncertain Significance. Algorithms developed to predict the effect of missense changes on protein structure and function output the following: SIFT: "Not Available"; PolyPhen-2: "Benign"; Align-GVGD: "Not Available". The arginine amino acid residue is found in multiple mammalian species, which suggests that this missense change does not adversely affect protein function. This variant has not been reported in the literature in individuals affected with ADGRE2-related conditions. This variant is not present in population databases (gnomAD no frequency). This sequence change replaces proline, which is neutral and non-polar, with arginine, which is basic and polar, at codon 61 of the ADGRE2 protein (p.Pro61Arg).

NM_013447.4(ADGRE2):c.182C>G (p.Pro61Arg)

Gene: ADGRE2 (adhesion G protein-coupled receptor E2; minus strand). Cytogenetic location: 19p13.12.
Variant type: single nucleotide variant.
Coding change: c.182C>G on transcript NM_013447.4 (MANE Select); coding-DNA position 182, C replaced by G.
Protein change: p.Pro61Arg; replaces proline 61 with arginine.
Molecular consequence: missense variant.
Genome position (GRCh38, 1-based): chr19:14,773,955, G>C on the plus strand (C>G on the coding strand, the complement: ADGRE2 is on the minus strand). VCF-style: chr19-14773955-G-C. GRCh37 (hg19) VCF-style: chr19-14884767-G-C.
Other names: c.182C>G, p.Pro61Arg (NM_001271052.1, NM_152916.2, NM_152917.2); short protein forms P61R.
Identifiers: ClinVar variation 3020978 (VCV003020978.3), dbSNP rs1420076845, ClinGen allele CA404465258.
Genomic context (GRCh38, chr19:14,773,955, plus strand): 5'-CATAATCGCAGATGTCCCCTGCGCTGCCCTCAAGCCTCTGTACCGTCACAAGTCTCCATG[G>C]GGGTGGTGATGATCTCAGAAAAAGAGCTGAACCCTGGATTGCAGCGACAGGCGGTGGCAT-3'
Protein context (NP_038475.2, residues 51-71): FSSFSEIITT[Pro61Arg]METCDDINEC